The following is an entry in ClinVar:

NM_003136.4(SRP54):c.78+6T>G

Gene: SRP54 (signal recognition particle 54; plus strand). Cytogenetic location: 14q13.2.
Variant type: single nucleotide variant.
Coding change: c.78+6T>G on transcript NM_003136.4 (MANE Select); 6 bases into the intron after coding-DNA position 78, T replaced by G.
Molecular consequence: intron variant.
Genome position (GRCh38, 1-based): chr14:34,996,793, T>G. VCF-style: chr14-34996793-T-G. GRCh37 (hg19) VCF-style: chr14-35465999-T-G.
Other names: c.78+6T>G (NM_001411017.1); c.23+6T>G (NM_001146282.2).
Identifiers: ClinVar variation 3700795 (VCV003700795.2).

ClinVar aggregate classification (germline): Uncertain significance (1 of 4 stars; one submission).

Submission:

Labcorp Genetics (formerly Invitae), Labcorp
Classification: Uncertain significance. Last evaluated: 2025-01-20. Review status: criteria provided, single submitter. Criteria: Invitae Variant Classification Sherloc (09022015). Collection method: clinical testing. Allele origin: germline.
Comment: This sequence change falls in intron 2 of the SRP54 gene. It does not directly change the encoded amino acid sequence of the SRP54 protein. It affects a nucleotide within the consensus splice site. This variant is not present in population databases (gnomAD no frequency). This variant has not been reported in the literature in individuals affected with SRP54-related conditions. Variants that disrupt the consensus splice site are a relatively common cause of aberrant splicing (PMID: 17576681, 9536098). Algorithms developed to predict the effect of sequence changes on RNA splicing suggest that this variant is not likely to affect RNA splicing. In summary, the available evidence is currently insufficient to determine the role of this variant in disease. Therefore, it has been classified as a Variant of Uncertain Significance.

Literature cited by the submitters: PubMed 17576681; PubMed 9536098.